The following is an entry in ClinVar:

ClinVar aggregate classification (germline): Uncertain significance. Review status: criteria provided, single submitter (1 of 4 stars). 2 submissions from 1 submitter: Uncertain significance (1). 1 of the submissions does not count toward it. Last evaluated 2022-07-19.

Conditions:
Cranioectodermal dysplasia 1 (CED1). Also called: LEVIN SYNDROME I. Identifiers: Orphanet 1515, MedGen C0432235, MONDO:0021093, OMIM 218330.

Submissions (2):

Labcorp Genetics (formerly Invitae), Labcorp
Classification: Uncertain significance for Cranioectodermal dysplasia 1. Last evaluated: 2022-07-19. Review status: criteria provided, single submitter. Criteria: Invitae Variant Classification Sherloc (09022015). Collection method: clinical testing. Allele origin: germline.
Comment: A copy number gain of the genomic region encompassing the full coding sequence of the IFT122 gene has been identified. The boundaries of this event are unknown as they extend beyond the assayed region for this gene and therefore may encompass additional genes. As the precise location of this event is unknown, it may be in tandem or it may be located elsewhere in the genome. This variant has not been reported in the literature in individuals affected with IFT122-related conditions. In summary, the available evidence is currently insufficient to determine the role of this variant in disease. Therefore, it has been classified as a Variant of Uncertain Significance.

Labcorp Genetics (formerly Invitae), Labcorp
Classification: Uncertain significance. Last evaluated: 2022-08-25. Review status: flagged submission. Criteria: Invitae Variant Classification Sherloc (09022015). Collection method: clinical testing. Allele origin: germline. Not counted in ClinVar's aggregate classification.
Comment: A copy number gain of the genomic region encompassing the full coding sequence of the RHO gene has been identified. The boundaries of this event are unknown as they extend beyond the assayed region for this gene and therefore may encompass additional genes. As the precise location of this event is unknown, it may be in tandem or it may be located elsewhere in the genome. A similar copy number variant has been observed in individual(s) with peripheral and central vision loss, bone spicules, optic nerve atrophy, and abnormal fundus appearance. Meets CRC for IRD (Invitae). In summary, the available evidence is currently insufficient to determine the role of this variant in disease. Therefore, it has been classified as a Variant of Uncertain Significance.
ClinVar note: Reason: This record appears to be redundant with a more recent record from the same submitter.
ClinVar note: Notes: SCV003794219 appears to be redundant with SCV002254593.

NC_000003.11:g.(?_129150344)_(129252561_?)dup

Genes: IFT122 (intraflagellar transport 122; plus strand), MBD4 (methyl-CpG binding domain 4, DNA glycosylase; minus strand), RHO (rhodopsin; plus strand). Cytogenetic location: 3q21.3-22.1.
Variant type: Duplication.
Identifiers: ClinVar variation 1469723 (VCV001469723.4).